The following continues an entry in ClinVar:

NM_000053.4(ATP7B):c.1285+5G>T

Gene: ATP7B. ClinVar aggregate classification (germline): Conflicting classifications of pathogenicity. Pathogenic (8); Likely pathogenic (15); Uncertain significance (1).

Submissions 11 to 25 of 25:

Victorian Clinical Genetics Services, Murdoch Childrens Research Institute
Classification: Pathogenic for Wilson disease. Last evaluated: 2024-10-09. Review status: criteria provided, single submitter. Criteria: ACMG Guidelines, 2015. Collection method: clinical testing. Allele origin: germline. Inheritance: Autosomal recessive inheritance. Affected: yes.
Comment: Based on the classification scheme VCGS_Germline_v1.3.5, this variant is classified as Pathogenic. Following criteria are met: 0102 - Loss of function is a known mechanism of disease in this gene and is associated Wilson disease (MIM#277900). (I) 0106 - This gene is associated with autosomal recessive disease. (I) 0212 - Non-canonical splice site variant without proven consequence on splicing (no functional evidence available). (SP) 0251 - This variant is heterozygous. (I) 0304 - Variant is present in gnomAD (v4) <0.01 for a recessive condition (131 heterozygotes, 0 homozygotes). (SP) 0505 - Abnormal splicing is predicted by in silico tools and affected nucleotide is highly conserved. (SP) 0801 - This variant has strong previous evidence of pathogenicity in unrelated individuals. This variant has been classified as likely pathogenic/pathogenic by multiple clinical laboratories in ClinVar and has been reported in individuals with Wilson disease (ClinVar, HGMD, LOVD, PMID: 9671269, PMID: 25497208, PMID: 36096368). (SP) 1201 - Heterozygous variant detected in trans with a likely pathogenic heterozygous variant (NM_000053.3(ATP7B):c.347T>C; p.(Ile116Thr)) in a recessive disease. (I) Legend: (SP) - Supporting pathogenic, (I) - Information, (SB) - Supporting benign

CeGaT Center for Human Genetics Tuebingen
Classification: Likely pathogenic. Last evaluated: 2024-09-01. Review status: criteria provided, single submitter. Criteria: CeGaT Center For Human Genetics Tuebingen Variant Classification Criteria Version 2. Collection method: clinical testing. Allele origin: germline. Affected: yes. Observed: 2 variant alleles.
Comment: ATP7B: PM3:Strong, PM2, PP3

All of Us Research Program, National Institutes of Health
Classification: Likely pathogenic for Wilson disease. Last evaluated: 2024-08-06. Review status: criteria provided, single submitter. Criteria: ACMG Guidelines, 2015. Collection method: clinical testing. Allele origin: germline. Inheritance: Autosomal recessive inheritance. Observed: 32 variant alleles, 32 heterozygotes.
Comment: This variant causes a G to T nucleotide substitution at the +5 position of intron 2 of the ATP7B gene. Splice site prediction tools predict that this variant may have a significant impact on RNA splicing. To our knowledge, functional studies have not been reported for this variant. This variant has been observed in at least four individuals affected with autosomal recessive Wilson disease, including two individuals who were confirmed to carry this variant in the compound heterozygous state with a known pathogenic variant in the same gene (PMID: 9671269, 25497208, 25617204, 36096368). This variant has been identified in 16/280466 chromosomes in the general population by the Genome Aggregation Database (gnomAD). Based on the available evidence, this variant is classified as Likely Pathogenic.

This study involves interpretation of variants in research participants for the purpose of population health screening. Participant phenotype was not available at the time of variant classification. Additional details can be found in publication PMID: 35346344, PMCID: PMC8962531

Fulgent Genetics
Classification: Likely pathogenic for Wilson disease. Last evaluated: 2024-06-03. Review status: criteria provided, single submitter. Criteria: ACMG Guidelines, 2015. Collection method: clinical testing. Allele origin: germline.

Genomic Medicine Center of Excellence, King Faisal Specialist Hospital and Research Centre
Classification: Likely pathogenic for Wilson disease. Last evaluated: 2024-03-29. Review status: criteria provided, single submitter. Criteria: ACMG Guidelines, 2015. Collection method: clinical testing. Allele origin: germline.

Baylor Genetics
Classification: Pathogenic for Wilson disease. Last evaluated: 2024-03-26. Review status: criteria provided, single submitter. Criteria: ACMG Guidelines, 2015. Collection method: clinical testing. Allele origin: unknown.

Revvity Omics, Revvity
Classification: Uncertain significance for Wilson disease. Last evaluated: 2024-01-18. Review status: criteria provided, single submitter. Criteria: ACMG Guidelines, 2015. Collection method: clinical testing. Allele origin: germline.

3billion
Classification: Likely pathogenic for Wilson disease. Last evaluated: 2023-02-23. Review status: criteria provided, single submitter. Criteria: ACMG Guidelines, 2015. Collection method: clinical testing. Allele origin: unknown. Affected: yes.
Comment: The variant is observed at an extremely low frequency in the gnomAD v2.1.1 dataset (total allele frequency: 0.006%). Splice variant was predicted to result in a truncated protein by alternate splicing. In silico tools predict the variant to alter splicing and produce an abnormal transcript (SpliceAI: 0.78). The variant has been reported at least twice as pathogenic with clinical assertions and evidence for the classification (ClinVar ID: VCV000520762). Therefore, this variant is classified as Likely pathogenic according to the recommendation of ACMG/AMP guideline.

Institute of Human Genetics, University of Leipzig Medical Center
Classification: Likely pathogenic for Wilson disease. Last evaluated: 2022-12-06. Review status: criteria provided, single submitter. Criteria: ACMG Guidelines, 2015. Collection method: clinical testing. Allele origin: unknown.
Comment: _x000D_This variant was identified with NM_000053.4:c.3451C>T, phase is unknown.

Laboratory for Molecular Medicine, Mass General Brigham Personalized Medicine
Classification: Likely pathogenic for Wilson disease. Last evaluated: 2022-11-03. Review status: criteria provided, single submitter. Criteria: ACMG Guidelines, 2015. Collection method: clinical testing. Allele origin: germline.
Comment: The c.1285+5G>T variant in ATP7B has been previously reported in 2 individuals with Wilson disease who were compound heterozygous for a second pathogenic variant (Ivanova 2015 PMID: 25617204, Paradisi 2015 PMID: 25497208). It has also been identified in 0.008% (3/35374) of Latino chromosomes by gnomAD; however, this frequency is low enough to be consistent with a recessive allele. This variant is located in the 5' splice region. Computational tools predict a splicing impact. In summary, although additional studies are required to fully establish its clinical significance, this variant meets criteria to be classified as likely pathogenic for autosomal recessive Wilson disease. ACMG/AMP Criteria applied: PM3_Strong, PM2_Supporting, PP3, PP4.

Mendelics
Classification: Pathogenic for Wilson disease. Last evaluated: 2022-05-04. Review status: criteria provided, single submitter. Criteria: Mendelics Assertion Criteria 2019. Collection method: clinical testing. Allele origin: germline.

Ambry Genetics
Classification: Likely pathogenic for Inborn genetic diseases. Last evaluated: 2020-01-07. Review status: criteria provided, single submitter. Criteria: Ambry Variant Classification Scheme 2023. Collection method: clinical testing. Allele origin: germline.
Comment: The c.1285+5G>T intronic alteration consists of a G to T substitution nucleotides after coding exon 2 in the ATP7B gene. This alteration is ultra rare in healthy individuals:_x000D_ Based on data from the NHLBI Exome Sequencing Project (ESP), the ATP7B c.1285+5G>T alteration was observed in 1 among 12360 total alleles studied (0.01%), having only been observed in 8346 European American alleles. Allele frequency data for this nucleotide position are not currently available from the 1000 Genomes Project. Based on data from the Exome Aggregation Consortium (ExAC), the T allele was observed in 5 of 120,746 total alleles studied, having been observed in 1 out of 16512 South Asian alleles, and 4 out of 66,724 European (Non-Finnish) alleles. This variant is reported in the SNPDatabase as rs370579582. This splice site alteration has been observed in affected individuals: _x000D_ This alteration was observed in the heterozygous state in one individual from a cohort of individuals diagnosed with WIlson disease based on low ceruloplasmin and copper serum levels, high urinary copper elimination, and high hepatic copper content. However, the authors did not report if there was a second mutation detected in this individual (Loudianos, 1998). The altered nucleotide is conserved throughout evolution:_x000D_ The c.1285+5G nucleotide is conserved in available vertebrate species. The alteration is predicted deleterious by in silico models:_x000D_ The c.1285+5G>T alteration is predicted to abolish the donor splice site using Fruitfly in silico program. The ESEfinder 3.0 in silico program predicts a weakening of the donor splice site. Based on the available evidence, this alteration is classified as likely pathogenic.

Mayo Clinic Laboratories, Mayo Clinic
Classification: Pathogenic. Last evaluated: 2019-10-14. Review status: criteria provided, single submitter. Criteria: ACMG Guidelines, 2015. Collection method: clinical testing. Allele origin: germline.
Comment: PP1, PP3, PP4, PM2, PM3_strong, PS4_moderate

Kariminejad - Najmabadi Pathology & Genetics Center
Classification: Pathogenic for Wilson disease. Review status: criteria provided, single submitter. Criteria: ACMG Guidelines, 2015. Collection method: clinical testing. Allele origin: germline. Affected: no.

Dr. Peter K. Rogan Lab, Western University
No classification provided (evidence only). Condition: Familial cancer of breast. Review status: no classification provided. Collection method: in vitro. Allele origin: not applicable. Functional consequence: skipped exon, retained intron. Not counted in ClinVar's aggregate classification.

Literature cited by the submitters: PubMed 25497208 (cited by 10 submitters); PubMed 25617204 (cited by 10 submitters); PubMed 9671269 (cited by 9 submitters); PubMed 36096368 (cited by 6 submitters); PubMed 37937776 (cited by Labcorp Genetics (formerly Invitae), Labcorp and Mayo Clinic Laboratories, Mayo Clinic); PubMed 17576681 (cited by Labcorp Genetics (formerly Invitae), Labcorp); PubMed 9536098 (cited by Labcorp Genetics (formerly Invitae), Labcorp); PubMed 10502776 (cited by Dasa and Mayo Clinic Laboratories, Mayo Clinic); PubMed 18728530 (cited by Dasa); PubMed 34620762 (cited by Department of Molecular Genetics, Istishari Arab Hospital and Mayo Clinic Laboratories, Mayo Clinic); PubMed 10980554 (cited by Laboratory for Molecular Medicine, Mass General Brigham Personalized Medicine); PubMed 16283883 (cited by Laboratory for Molecular Medicine, Mass General Brigham Personalized Medicine); PubMed 17919502 (cited by Laboratory for Molecular Medicine, Mass General Brigham Personalized Medicine).